The following is an entry in ClinVar:

NM_001009944.3(PKD1):c.12406A>C (p.Arg4136=)

Gene: PKD1 (polycystin 1, transient receptor potential channel interacting; minus strand). Cytogenetic location: 16p13.3.
Variant type: single nucleotide variant.
Coding change: c.12406A>C on transcript NM_001009944.3 (MANE Select); coding-DNA position 12406, A replaced by C.
Protein change: p.Arg4136=; no amino-acid change (arginine 4136 retained).
Molecular consequence: synonymous variant.
Genome position (GRCh38, 1-based): chr16:2,090,323, T>G on the plus strand (A>C on the coding strand, the complement: PKD1 is on the minus strand). VCF-style: chr16-2090323-T-G. GRCh37 (hg19) VCF-style: chr16-2140324-T-G.
Other names: c.12403A>C, p.Arg4135= (NM_000296.4).
Identifiers: ClinVar variation 3352917 (VCV003352917.1).

ClinVar aggregate classification (germline): Likely benign (0 of 4 stars; one submission).

Conditions:
PKD1-related disorder. Also called: PKD1-related condition.

Submission:

PreventionGenetics, part of Exact Sciences
Classification: Likely benign for PKD1-related condition. Last evaluated: 2024-03-22. Review status: no assertion criteria provided. Collection method: clinical testing. Allele origin: germline.
Comment: This variant is classified as likely benign based on ACMG/AMP sequence variant interpretation guidelines (Richards et al. 2015 PMID: 25741868, with internal and published modifications).